The following is an entry in ClinVar:

ClinVar aggregate classification (germline): Likely benign. Review status: criteria provided, multiple submitters, no conflicts (2 of 4 stars). 2 submissions from 2 submitters: Likely benign (2). Last evaluated 2025-09-19.

Allele frequency attached by ClinVar (database versions not stated): ExAC 0.00002; gnomAD exomes 0.00005; gnomAD 0.00006 and 0.00007; TOPMed 0.00007; ESP Exome Variant Server 0.00008.

Submissions (2):

Labcorp Genetics (formerly Invitae), Labcorp
Classification: Likely benign. Last evaluated: 2025-09-19. Review status: criteria provided, single submitter. Criteria: Invitae Variant Classification Sherloc (09022015). Collection method: clinical testing. Allele origin: germline.

CeGaT Center for Human Genetics Tuebingen
Classification: Likely benign. Last evaluated: 2024-10-01. Review status: criteria provided, single submitter. Criteria: CeGaT Center For Human Genetics Tuebingen Variant Classification Criteria Version 2. Collection method: clinical testing. Allele origin: germline. Affected: yes. Observed: 3 variant alleles.
Comment: ERCC3: BP4, BP7

NM_000122.2(ERCC3):c.1212C>T (p.Ser404=)

Gene: ERCC3 (ERCC excision repair 3, TFIIH core complex helicase subunit; minus strand). Cytogenetic location: 2q14.3.
Variant type: single nucleotide variant.
Coding change: c.1212C>T on transcript NM_000122.2 (MANE Select); coding-DNA position 1212, C replaced by T.
Protein change: p.Ser404=; no amino-acid change (serine 404 retained).
Molecular consequence: synonymous variant.
Genome position (GRCh38, 1-based): chr2:127,286,833, G>A on the plus strand (C>T on the coding strand, the complement: ERCC3 is on the minus strand). VCF-style: chr2-127286833-G-A. GRCh37 (hg19) VCF-style: chr2-128044409-G-A.
Other names: c.1020C>T, p.Ser340= (NM_001303416.2, NM_001303418.2).
Identifiers: ClinVar variation 1626975 (VCV001626975.32), dbSNP rs377591864, ClinGen allele CA1858331.